The following is an entry in ClinVar:

ClinVar aggregate classification (germline): Uncertain significance. Review status: criteria provided, multiple submitters, no conflicts (2 of 4 stars). 2 submissions from 2 submitters: Uncertain significance (2). Last evaluated 2024-10-21.

Conditions:
Hereditary cancer-predisposing syndrome. Also called: Neoplastic Syndromes, Hereditary; Hereditary Cancer Syndrome; Hereditary neoplastic syndrome; Tumor predisposition. Identifiers: Orphanet 140162, MedGen C0027672, MeSH D009386, MONDO:0015356.
DICER1-related tumor predisposition. Also called: DICER1-related pleuropulmonary blastoma cancer predisposition syndrome; DICER1 syndrome. Identifiers: Orphanet 284343, MedGen C3839822, MONDO:0100216.

Submissions (2):

Labcorp Genetics (formerly Invitae), Labcorp
Classification: Uncertain significance for DICER1-related tumor predisposition. Last evaluated: 2024-10-21. Review status: criteria provided, single submitter. Criteria: Invitae Variant Classification Sherloc (09022015). Collection method: clinical testing. Allele origin: germline.
Comment: This sequence change replaces glutamine, which is neutral and polar, with leucine, which is neutral and non-polar, at codon 1279 of the DICER1 protein (p.Gln1279Leu). This variant is not present in population databases (gnomAD no frequency). This variant has not been reported in the literature in individuals affected with DICER1-related conditions. ClinVar contains an entry for this variant (Variation ID: 824277). Invitae Evidence Modeling of protein sequence and biophysical properties (such as structural, functional, and spatial information, amino acid conservation, physicochemical variation, residue mobility, and thermodynamic stability) indicates that this missense variant is not expected to disrupt DICER1 protein function with a negative predictive value of 95%. In summary, the available evidence is currently insufficient to determine the role of this variant in disease. Therefore, it has been classified as a Variant of Uncertain Significance.

Ambry Genetics
Classification: Uncertain significance for Hereditary cancer-predisposing syndrome. Last evaluated: 2021-10-15. Review status: criteria provided, single submitter. Criteria: Ambry Variant Classification Scheme 2023. Collection method: clinical testing. Allele origin: germline.
Comment: The p.Q1279L variant (also known as c.3836A>T), located in coding exon 20 of the DICER1 gene, results from an A to T substitution at nucleotide position 3836. The glutamine at codon 1279 is replaced by leucine, an amino acid with dissimilar properties. This amino acid position is not well conserved in available vertebrate species. In addition, this alteration is predicted to be tolerated by in silico analysis. Since supporting evidence is limited at this time, the clinical significance of this alteration remains unclear.

NM_177438.3(DICER1):c.3836A>T (p.Gln1279Leu)

Gene: DICER1 (dicer 1, ribonuclease III; minus strand). Cytogenetic location: 14q32.13.
Variant type: single nucleotide variant.
Coding change: c.3836A>T on transcript NM_177438.3 (MANE Select); coding-DNA position 3836, A replaced by T.
Protein change: p.Gln1279Leu; replaces glutamine 1279 with leucine.
Molecular consequence: missense variant.
Genome position (GRCh38, 1-based): chr14:95,103,560, T>A on the plus strand (A>T on the coding strand, the complement: DICER1 is on the minus strand). VCF-style: chr14-95103560-T-A. GRCh37 (hg19) VCF-style: chr14-95569897-T-A.
Other names: c.3836A>T, p.Gln1279Leu (NM_001195573.1, NM_001271282.3, NM_001291628.2 and 1 more transcripts); short protein forms Q1279L.
Identifiers: ClinVar variation 824277 (VCV000824277.6), dbSNP rs1595364520, ClinGen allele CA390873341.